The following is an entry in ClinVar:

NM_001365951.3(KIF1B):c.3463C>T (p.Leu1155Phe)

Gene: KIF1B (kinesin family member 1B; plus strand). Cytogenetic location: 1p36.22.
Variant type: single nucleotide variant.
Coding change: c.3463C>T on transcript NM_001365951.3 (MANE Select); coding-DNA position 3463, C replaced by T.
Protein change: p.Leu1155Phe; replaces leucine 1155 with phenylalanine.
Molecular consequence: missense variant.
Genome position (GRCh38, 1-based): chr1:10,339,809, C>T. VCF-style: chr1-10339809-C-T. GRCh37 (hg19) VCF-style: chr1-10399867-C-T.
Other names: c.3463C>T, p.Leu1155Phe (NM_001365952.1); c.3325C>T, p.Leu1109Phe (NM_015074.3); short protein forms L1109F, L1155F.
Identifiers: ClinVar variation 3226449 (VCV003226449.1), dbSNP rs1451906514, ClinGen allele CA338341042.

ClinVar aggregate classification (germline): Uncertain significance (1 of 4 stars; one submission).

Allele frequency attached by ClinVar (database versions not stated): TOPMed below 0.00001; gnomAD 0.00001.
gnomAD v4.1: 2 of 1,614,002 alleles (0.00012%); highest among the groups gnomAD compares: Non-Finnish European, 0.00017%; no homozygotes.

Submission:

Ambry Genetics
Classification: Uncertain significance. Last evaluated: 2023-11-16. Review status: criteria provided, single submitter. Criteria: Ambry Variant Classification Scheme 2023. Collection method: clinical testing. Allele origin: germline.
Comment: The p.L1109F variant (also known as c.3325C>T), located in coding exon 29 of the KIF1B gene, results from a C to T substitution at nucleotide position 3325. The leucine at codon 1109 is replaced by phenylalanine, an amino acid with highly similar properties. This amino acid position is highly conserved in available vertebrate species. In addition, the in silico prediction for this alteration is inconclusive. Since supporting evidence is limited at this time, the clinical significance of this alteration remains unclear.